The following is an entry in ClinVar:

ClinVar aggregate classification (germline): Pathogenic. Review status: criteria provided, multiple submitters, no conflicts (2 of 4 stars). 2 submissions from 2 submitters: Pathogenic (2). Last evaluated 2022-09-01.

Conditions:
Joubert syndrome. Also called: CEREBELLOPARENCHYMAL DISORDER IV; JOUBERT-BOLTSHAUSER SYNDROME; Familial aplasia of the vermis. Identifiers: Orphanet 475, MedGen C5979921, MONDO:0018772.
Joubert syndrome 3 (JBTS3). Also called: AHI1-related Ciliopathy. Identifiers: Orphanet 220493, MedGen C1837713, MONDO:0012078, OMIM 608629.

Allele frequency attached by ClinVar (database versions not stated): gnomAD exomes 0.00001.

Submissions (2):

3billion
Classification: Pathogenic for Joubert syndrome 3. Last evaluated: 2022-09-01. Review status: criteria provided, single submitter. Criteria: ACMG Guidelines, 2015. Collection method: clinical testing. Allele origin: germline. Affected: yes. Observed: 1 homozygote.
Comment: The variant is not observed in the gnomAD v2.1.1 dataset. Frameshift variant is predicted to result in a loss or disruption of normal protein function through nonsense-mediated decay (NMD) or protein truncation. Multiple pathogenic variants are reported downstream of the variant. The variant has been reported to be associated with AHI1 -related disorder (ClinVar ID: VCV000837650). Therefore, this variant is classified as Pathogenic according to the recommendation of ACMG/AMP guideline.

Labcorp Genetics (formerly Invitae), Labcorp
Classification: Pathogenic for Joubert syndrome. Last evaluated: 2019-12-31. Review status: criteria provided, single submitter. Criteria: Invitae Variant Classification Sherloc (09022015). Collection method: clinical testing. Allele origin: germline.
Comment: This variant is not present in population databases (ExAC no frequency). For these reasons, this variant has been classified as Pathogenic. Loss-of-function variants in AHI1 are known to be pathogenic (PMID: 15322546, 16453322). This variant has not been reported in the literature in individuals with AHI1-related conditions. This sequence change creates a premature translational stop signal (p.Ser630Thrfs*18) in the AHI1 gene. It is expected to result in an absent or disrupted protein product.

Literature cited by the submitters: PubMed 15322546 (cited by Labcorp Genetics (formerly Invitae), Labcorp); PubMed 16453322 (cited by Labcorp Genetics (formerly Invitae), Labcorp).

NM_001134831.2(AHI1):c.1889del (p.Ser630fs)

Gene: AHI1 (Abelson helper integration site 1; minus strand). Cytogenetic location: 6q23.3.
Variant type: Deletion.
Coding change: c.1889del on transcript NM_001134831.2 (MANE Select); coding-DNA position 1889, one base deleted (G; older notation c.1889delG).
Protein change: p.Ser630fs; shifts the reading frame from serine 630.
Molecular consequence: frameshift variant.
Genome position (GRCh38, 1-based): chr6:135,442,605, C deleted on the plus strand (G on the coding strand, the reverse complement: AHI1 is on the minus strand). VCF-style (leftmost placement, unchanged base first): chr6-135442604-GC-G. GRCh37 (hg19) VCF-style: chr6-135763742-GC-G.
Other names: c.1889del, p.Ser630fs (NM_001134830.2, NM_001134832.2, NM_001350503.2 and 2 more transcripts); short protein forms S630fs.
Identifiers: ClinVar variation 837650 (VCV000837650.11), dbSNP rs1786487832, ClinGen allele CA916082902.